The following is an entry in ClinVar:

NM_001887.4(CRYBB1):c.389G>C (p.Ser130Thr)

Genes: CRYBA4 (crystallin beta A4; plus strand), CRYBB1 (crystallin beta B1; minus strand). Cytogenetic location: 22q12.1.
Variant type: single nucleotide variant.
Coding change: c.389G>C on transcript NM_001887.4 (MANE Select); coding-DNA position 389, G replaced by C.
Protein change: p.Ser130Thr; replaces serine 130 with threonine.
Molecular consequence: missense variant.
Genome position (GRCh38, 1-based): chr22:26,607,932, C>G on the plus strand (G>C on the coding strand, the complement: CRYBB1 is on the minus strand). VCF-style: chr22-26607932-C-G. GRCh37 (hg19) VCF-style: chr22-27003896-C-G.
Other names: short protein forms S130T.
Identifiers: ClinVar variation 2481284 (VCV002481284.4), dbSNP rs748354975, ClinGen allele CA10165472.

ClinVar aggregate classification (germline): Uncertain significance. Review status: criteria provided, multiple submitters, no conflicts (2 of 4 stars). 2 submissions from 2 submitters: Uncertain significance (2). Last evaluated 2025-05-19.

Conditions:
Inborn genetic diseases. Identifiers: MedGen C0950123, MeSH D030342.

Allele frequency attached by ClinVar (database versions not stated): ExAC 0.00001.
gnomAD v4.1: 3 of 1,614,236 alleles (0.00019%); highest among the groups gnomAD compares: Middle Eastern, 0.016%; no homozygotes.

Submissions (2):

Dasa
Classification: Uncertain significance. Last evaluated: 2025-05-19. Review status: criteria provided, single submitter. Criteria: DASA Assertion Criteria. Collection method: clinical testing. Allele origin: germline.
Comment: NM_001887.4(CRYBB1):c.389G>C (p.Ser130Thr) is a missense variant that results in the substitution of serine with threonine. This variant is rare in population databases. The currently available literature and clinical evidence are not sufficient to establish a definitive association between this variant and the reported condition. Therefore, this variant is classified as a variant of uncertain significance.

Ambry Genetics
Classification: Uncertain significance for Inborn genetic diseases. Last evaluated: 2023-02-06. Review status: criteria provided, single submitter. Criteria: Ambry Variant Classification Scheme 2023. Collection method: clinical testing. Allele origin: germline.